The following is an entry in ClinVar:

NM_001127222.2(CACNA1A):c.536C>T (p.Thr179Met)

Gene: CACNA1A (calcium voltage-gated channel subunit alpha1 A; minus strand). Cytogenetic location: 19p13.13.
Variant type: single nucleotide variant.
Coding change: c.536C>T on transcript NM_001127222.2 (MANE Select); coding-DNA position 536, C replaced by T.
Protein change: p.Thr179Met; replaces threonine 179 with methionine.
Molecular consequence: missense variant.
Genome position (GRCh38, 1-based): chr19:13,452,879, G>A on the plus strand (C>T on the coding strand, the complement: CACNA1A is on the minus strand). VCF-style: chr19-13452879-G-A. GRCh37 (hg19) VCF-style: chr19-13563693-G-A.
Other names: c.536C>T, p.Thr179Met (NM_000068.4, NM_001127221.2, NM_001174080.2 and 1 more transcripts); short protein forms T179M.
Identifiers: ClinVar variation 661567 (VCV000661567.35), dbSNP rs773461333, ClinGen allele CA9241026.

ClinVar aggregate classification (germline): Uncertain significance. Review status: criteria provided, multiple submitters, no conflicts (2 of 4 stars). 3 submissions from 3 submitters: Uncertain significance (3). Last evaluated 2024-05-01.

Conditions:
Episodic ataxia type 2 (EA2). Also called: ACETAZOLAMIDE-RESPONSIVE HEREDITARY PAROXYSMAL CEREBELLAR ATAXIA; ATAXIA, EPISODIC, WITH NYSTAGMUS; ATAXIA, FAMILIAL PAROXYSMAL; CEREBELLAR ATAXIA, PAROXYSMAL, ACETAZOLAMIDE-RESPONSIVE; CEREBELLOPATHY, HEREDITARY PAROXYSMAL; EPISODIC ATAXIA, NYSTAGMUS-ASSOCIATED. Identifiers: Orphanet 97, MedGen C1720416, MONDO:0007163, OMIM 108500.
Developmental and epileptic encephalopathy, 42 (DEE42A). Also called: Epileptic encephalopathy, early infantile, 42; DEVELOPMENTAL AND EPILEPTIC ENCEPHALOPATHY 42A; EPILEPTIC ENCEPHALOPATHY, EARLY INFANTILE, 42A. Identifiers: MedGen C4310716, MONDO:0014917, OMIM 617106.

Allele frequency attached by ClinVar (database versions not stated): gnomAD exomes below 0.00001 and 0.00001; ExAC 0.00001; gnomAD 0.00001.
gnomAD v4.1: 10 of 1,613,490 alleles (0.00062%); highest among the groups gnomAD compares: South Asian, 0.0022%; no homozygotes.

Submissions (3):

CeGaT Center for Human Genetics Tuebingen
Classification: Uncertain significance. Last evaluated: 2024-05-01. Review status: criteria provided, single submitter. Criteria: CeGaT Center For Human Genetics Tuebingen Variant Classification Criteria Version 2. Collection method: clinical testing. Allele origin: germline. Affected: yes. Observed: 2 variant alleles.
Comment: CACNA1A: PM5, PM2:Supporting, PP2, PP3

Women's Health and Genetics/Laboratory Corporation of America, LabCorp
Classification: Uncertain significance. Last evaluated: 2024-03-08. Review status: criteria provided, single submitter. Criteria: LabCorp Variant Classification Summary - May 2015. Collection method: clinical testing. Allele origin: germline.
Comment: Variant summary: CACNA1A c.536C>T (p.Thr179Met) results in a non-conservative amino acid change located in the Ion transport domain (IPR005821) of the encoded protein sequence. Five of five in-silico tools predict a damaging effect of the variant on protein function. The variant allele was found at a frequency of 4e-06 in 248994 control chromosomes. The available data on variant occurrences in the general population are insufficient to allow any conclusion about variant significance. To our knowledge, no occurrence of c.536C>T in individuals affected with Epileptic Encephalopathy, Early Infantile, 42 and no experimental evidence demonstrating its impact on protein function have been reported. ClinVar contains an entry for this variant (Variation ID: 661567). Based on the evidence outlined above, the variant was classified as uncertain significance.

Labcorp Genetics (formerly Invitae), Labcorp
Classification: Uncertain significance for Developmental and epileptic encephalopathy, 42; Episodic ataxia type 2. Last evaluated: 2018-12-24. Review status: criteria provided, single submitter. Criteria: Invitae Variant Classification Sherloc (09022015). Collection method: clinical testing. Allele origin: germline.
Comment: In summary, the available evidence is currently insufficient to determine the role of this variant in disease. Therefore, it has been classified as a Variant of Uncertain Significance. Algorithms developed to predict the effect of missense changes on protein structure and function are either unavailable or do not agree on the potential impact of this missense change (SIFT: "Deleterious"; PolyPhen-2: "Possibly Damaging"; Align-GVGD: "Class C15"). This variant has not been reported in the literature in individuals with CACNA1A-related conditions. This variant is present in population databases (rs773461333, ExAC 0.002%). This sequence change replaces threonine with methionine at codon 179 of the CACNA1A protein (p.Thr179Met). The threonine residue is highly conserved and there is a moderate physicochemical difference between threonine and methionine.